The following is an entry in ClinVar:

ClinVar aggregate classification (germline): Uncertain significance (1 of 4 stars; one submission).

Submission:

Genomic Medicine, Universita Cattolica del Sacro Cuore
Classification: Uncertain significance. Last evaluated: 2022-12-21. Review status: criteria provided, single submitter. Criteria: ACMG Guidelines, 2015. Collection method: clinical testing. Allele origin: de novo. Inheritance: Autosomal dominant inheritance. Affected: yes. Observed: 1 heterozygote.
Comment: The variant is de novo and it is not reported in the gnomAD database.

NM_032436.4(CHAMP1):c.67G>A (p.Gly23Ser)

Gene: CHAMP1 (chromosome alignment maintaining phosphoprotein 1; plus strand). Cytogenetic location: 13q34.
Variant type: single nucleotide variant.
Coding change: c.67G>A on transcript NM_032436.4 (MANE Select); coding-DNA position 67, G replaced by A.
Protein change: p.Gly23Ser; replaces glycine 23 with serine.
Molecular consequence: missense variant.
Genome position (GRCh38, 1-based): chr13:114,323,909, G>A. VCF-style: chr13-114323909-G-A. GRCh37 (hg19) VCF-style: chr13-115089384-G-A.
Other names: c.67G>A, p.Gly23Ser (NM_001164144.3, NM_001164145.3); short protein forms G23S.
Identifiers: ClinVar variation 1806448 (VCV001806448.2), dbSNP rs2503196132, ClinGen allele CA388844938.